The following is an entry in ClinVar:

ClinVar aggregate classification (germline): Conflicting classifications of pathogenicity. Review status: criteria provided, conflicting classifications (1 of 4 stars). 9 submissions from 9 submitters: Pathogenic (2); Uncertain significance (2); Benign (1); Likely benign (2). 2 of the submissions do not count toward it. Last evaluated 2026-01-26.

Conditions:
ECHS1-related disorder. Also called: ECHS1-related condition.
Mitochondrial short-chain Enoyl-Coa hydratase 1 deficiency. Also called: PxMD-ECHS1; ECHS1 deficiency; Mitochondrial Short-Chain Enoyl-CoA Hydratase Deficiency. Identifiers: Orphanet 255241, Orphanet 653880, MedGen C4225391, MONDO:0014563, OMIM 616277.
Inborn genetic diseases. Identifiers: MedGen C0950123, MeSH D030342.

Allele frequency attached by ClinVar (database versions not stated): ESP Exome Variant Server 0.00008; gnomAD exomes 0.00035 and 0.00096; gnomAD 0.00042 and 0.00060; TOPMed 0.00056; ExAC 0.00098; 1000 Genomes Project 30x 0.00250; 1000 Genomes Project 0.00300.
gnomAD v4.1: 653 of 1,613,714 alleles (0.04%); highest among the groups gnomAD compares: East Asian, 1.1%; 4 homozygotes.

Submissions (9):

Labcorp Genetics (formerly Invitae), Labcorp
Classification: Benign. Last evaluated: 2026-01-26. Review status: criteria provided, single submitter. Criteria: Invitae Variant Classification Sherloc (09022015). Collection method: clinical testing. Allele origin: germline.

Ambry Genetics
Classification: Pathogenic for Inborn genetic diseases. Last evaluated: 2026-01-23. Review status: criteria provided, single submitter. Criteria: Ambry Variant Classification Scheme 2023. Collection method: clinical testing. Allele origin: germline.
Comment: The c.489G>A (p.P163P) alteration is located in exon 4 (coding exon 4) of the ECHS1 gene. This alteration consists of a G to A substitution at nucleotide position 489. This nucleotide substitution does not change the amino acid at codon 163. Based on the available evidence, the ECHS1 c.489G>A (p.P163P) variant is classified as pathogenic; however, it is hypomorphic and only causes disease when occurring in trans with a more severe loss of function variant. In the homozygous state, this variant is not disease-causing. Based on data from gnomAD, the A allele has an overall frequency of 0.092% (260/282382) total alleles studied. The highest observed frequency was 1.183% (236/19950) of East Asian alleles. Based on data from gnomAD, the frequency for this variant is above the maximum credible frequency for a disease-causing variant in this gene based on internally established thresholds (Karczewski, 2020; Whiffin, 2017). In addition, this variant has been identified at apparently high frequency in individuals of Polynesian ancestry; it has also been identified in apparently unaffected homozygous individuals (Bernhardt, 2024; Simon, 2021). This variant has been identified in conjunction with other ECHS1 variant(s) in individual(s) with features consistent with mitochondrial short-chain enoyl-CoA hydratase 1 deficiency; in at least one instance, the variants were identified in trans (D'Annibale, 2025; Wu, 2025; Simon, 2021; Murofushi, 2024; Kishita, 2023; Liu, 2025; Bernhardt, 2024). This nucleotide position is not well conserved in available vertebrate species. RNA studies have demonstrated that this alteration does not result in abnormal splicing in the set of samples tested (Bernhardt, 2024; Kishita, 2023). In silico splice site analysis for this alteration is inconclusive. Based on the available evidence, this alteration is classified as pathogenic.

CeGaT Center for Human Genetics Tuebingen
Classification: Likely benign. Last evaluated: 2025-10-01. Review status: criteria provided, single submitter. Criteria: CeGaT Center For Human Genetics Tuebingen Variant Classification Criteria Version 2. Collection method: clinical testing. Allele origin: germline. Affected: yes. Observed: 2 variant alleles.
Comment: ECHS1: BP4, BP7

GeneDx
Classification: Pathogenic. Last evaluated: 2025-03-07. Review status: criteria provided, single submitter. Criteria: GeneDx Variant Classification Process June 2021. Collection method: clinical testing. Allele origin: germline. Affected: yes.
Comment: RNA studies demonstrate a damaging effect: incomplete skipping of exon 4 (PMID: 33112498, 37055166, 38820906); This variant is associated with the following publications: (PMID: 39387038, 33112498, 32642440, 35094435, 37055166, Bernhardt2021[poster], 38820906)

Blueprint Genetics
Classification: Uncertain significance. Last evaluated: 2024-11-22. Review status: criteria provided, single submitter. Criteria: ACMG Guidelines, 2015. Collection method: clinical testing. Allele origin: germline.

Fulgent Genetics
Classification: Likely benign for Mitochondrial short-chain Enoyl-Coa hydratase 1 deficiency. Last evaluated: 2022-03-29. Review status: criteria provided, single submitter. Criteria: ACMG Guidelines, 2015. Collection method: clinical testing. Allele origin: unknown.

Victorian Clinical Genetics Services, Murdoch Childrens Research Institute
Classification: Uncertain significance for Mitochondrial short-chain Enoyl-Coa hydratase 1 deficiency. Last evaluated: 2022-02-02. Review status: criteria provided, single submitter. Criteria: ACMG Guidelines, 2015. Collection method: clinical testing. Allele origin: germline.
Comment: Based on the classification scheme VCGS_Germline_v1.3.4, this variant is classified as VUS-3A. Following criteria are met: 0102 - Loss of function is a known mechanism of disease in this gene and is associated with mitochondrial short-chain enoyl-CoA hydratase 1 deficiency (MIM#616277). (I) 0106 - This gene is associated with autosomal recessive disease. (I) 0212 - Non-canonical splice site variant without proven consequence on splicing (no functional evidence available). This synonymous variant reportedly affects splicing, however functional studies are inconclusive (PMID: 33112498). (I) 0251 - This variant is heterozygous. (I) 0305 - Variant is present in gnomAD (v2) >=0.01 and <0.03 for a recessive condition (256 heterozygotes, 2 homozygotes). In addition, this variant has a minor allele frequency of 0.17 in the Samoan population with 54 homozygotes reported (PMID: 33112498). (I) 0506 - Abnormal splicing is not predicted and nucleotide is poorly conserved. (SB) 0705 - No comparable variants have previous evidence for pathogenicity. (I) 0808 - Previous reports of pathogenicity for this variant are conflicting. This variant has been reported as benign and likely benign in ClinVar, however it has been thought to be a hypomorphic allele contributing to disease in two families with Samoan decent (PMIDs: 32642440, 33112498). (I) 0906 - Segregation evidence for this variant is inconclusive. It was identified in two families in compound heterozygote affected individuals, however it was also reported in an unaffected mother who was homozygote (PMIDs: 32642440, 33112498). (I) 1010 - Functional evidence for this variant is inconclusive. The studies were performed using fibroblasts and no site-directed mutagenesis experiments were conducted. In addition, no impact in splicing was detected (PMID: 33112498). (I) 1101 - Very strong and specific phenotype match for this individual. (SP) 1208 - Inheritance information for this variant is not currently available in this individual. (I) Legend: (SP) - Supporting pathogenic, (I) - Information, (SB) - Supporting benign

OMIM
Classification: Pathogenic for MITOCHONDRIAL SHORT-CHAIN ENOYL-CoA HYDRATASE 1 DEFICIENCY. Last evaluated: 2024-08-06. Review status: no assertion criteria provided. Collection method: literature only. Allele origin: germline. Not counted in ClinVar's aggregate classification.

PreventionGenetics, part of Exact Sciences
Classification: Likely benign for ECHS1-related condition. Last evaluated: 2019-09-23. Review status: no assertion criteria provided. Collection method: clinical testing. Allele origin: germline. Not counted in ClinVar's aggregate classification.
Comment: This variant is classified as likely benign based on ACMG/AMP sequence variant interpretation guidelines (Richards et al. 2015 PMID: 25741868, with internal and published modifications).

Literature cited by the submitters: PubMed 28518168 (cited by Ambry Genetics); PubMed 32461654 (cited by Ambry Genetics); PubMed 33112498 (cited by 3 submitters); PubMed 37055166 (cited by Ambry Genetics); PubMed 38820906 (cited by Ambry Genetics); PubMed 39387038 (cited by Ambry Genetics); PubMed 40192239 (cited by Ambry Genetics); PubMed 40513498 (cited by Ambry Genetics); PubMed 40516471 (cited by Ambry Genetics); PubMed 32642440 (cited by Victorian Clinical Genetics Services, Murdoch Childrens Research Institute).

NM_004092.4(ECHS1):c.489G>A (p.Pro163=)

Gene: ECHS1 (enoyl-CoA hydratase, short chain 1; minus strand). Cytogenetic location: 10q26.3.
Variant type: single nucleotide variant.
Coding change: c.489G>A on transcript NM_004092.4 (MANE Select); coding-DNA position 489, G replaced by A.
Protein change: p.Pro163=; no amino-acid change (proline 163 retained).
Molecular consequence: synonymous variant.
Genome position (GRCh38, 1-based): chr10:133,368,948, C>T on the plus strand (G>A on the coding strand, the complement: ECHS1 is on the minus strand). VCF-style: chr10-133368948-C-T. GRCh37 (hg19) VCF-style: chr10-135182452-C-T.
Identifiers: ClinVar variation 385034 (VCV000385034.25), dbSNP rs140410716, ClinGen allele CA5765759.